The following is an entry in ClinVar:

NM_015215.4(CAMTA1):c.3224A>G (p.Gln1075Arg)

Gene: CAMTA1 (calmodulin binding transcription activator 1; plus strand). Cytogenetic location: 1p36.23.
Variant type: single nucleotide variant.
Coding change: c.3224A>G on transcript NM_015215.4 (MANE Select); coding-DNA position 3224, A replaced by G.
Protein change: p.Gln1075Arg; replaces glutamine 1075 with arginine.
Molecular consequence: missense variant.
Genome position (GRCh38, 1-based): chr1:7,736,501, A>G. VCF-style: chr1-7736501-A-G. GRCh37 (hg19) VCF-style: chr1-7796561-A-G.
Other names: c.3134A>G, p.Gln1045Arg (NM_001349608.2, NM_001349612.2); c.3224A>G, p.Gln1075Arg (NM_001349609.2, NM_001349610.2, NM_001410737.1); c.353A>G, p.Gln118Arg (NM_001349613.1); c.296A>G, p.Gln99Arg (NM_001349614.1, NM_001349615.2, NM_001349616.2 and 10 more transcripts); c.3152A>G, p.Gln1051Arg (NM_001410738.1); short protein forms Q1045R, Q1051R, Q1075R, Q118R, Q99R.
Identifiers: ClinVar variation 4070858 (VCV004070858.1).

ClinVar aggregate classification (germline): Uncertain significance (1 of 4 stars; one submission).

Submission:

GeneDx
Classification: Uncertain significance. Last evaluated: 2025-01-16. Review status: criteria provided, single submitter. Criteria: GeneDx Variant Classification Process June 2021. Collection method: clinical testing. Allele origin: germline. Affected: yes.
Comment: Not observed at significant frequency in large population cohorts (gnomAD); In silico analysis supports that this missense variant has a deleterious effect on protein structure/function; Has not been previously published as pathogenic or benign to our knowledge